The following is an entry in ClinVar:

NM_001130438.3(SPTAN1):c.2763C>T (p.Asp921=)

Gene: SPTAN1 (spectrin alpha, non-erythrocytic 1; plus strand). Cytogenetic location: 9q34.11.
Variant type: single nucleotide variant.
Coding change: c.2763C>T on transcript NM_001130438.3 (MANE Select); coding-DNA position 2763, C replaced by T.
Protein change: p.Asp921=; no amino-acid change (aspartic acid 921 retained).
Molecular consequence: synonymous variant.
Genome position (GRCh38, 1-based): chr9:128,585,950, C>T. VCF-style: chr9-128585950-C-T. GRCh37 (hg19) VCF-style: chr9-131348229-C-T.
Other names: c.2763C>T, p.Asp921= (NM_001195532.2, NM_001363759.2, NM_001363765.2 and 1 more transcripts).
Identifiers: ClinVar variation 681510 (VCV000681510.5), dbSNP rs761166458, ClinGen allele CA5264705.
Genomic context (GRCh38, chr9:128,585,950, plus strand): 5'-GGCTGAATCCTGGATGCGGGAGAAGGAACCCATTGTGGGCAGCACTGACTATGGCAAGGA[C>T]GAAGACTCTGCTGAGGTAACCAGGCGTGGGAAGCGTCTCACCTGCCAGGGAAGTGGAACA-3'
Protein context (NP_001123910.1, residues 911-931): PIVGSTDYGK[Asp921=]EDSAEALLKK

ClinVar aggregate classification (germline): Likely benign. Review status: criteria provided, multiple submitters, no conflicts (2 of 4 stars). 2 submissions from 2 submitters: Likely benign (2). Last evaluated 2024-12-02.

Conditions:
Early-infantile DEE. Also called: Ohtahara syndrome; Early infantile epileptic encephalopathy; Early infantile epileptic encephalopathy with suppression bursts. Identifiers: Orphanet 1934, MedGen C0393706, MONDO:0800491.

Allele frequency attached by ClinVar (database versions not stated): gnomAD 0.00001; gnomAD exomes 0.00001; TOPMed 0.00001; ExAC 0.00002.

Submissions (2):

Labcorp Genetics (formerly Invitae), Labcorp
Classification: Likely benign for Early-infantile DEE. Last evaluated: 2024-12-02. Review status: criteria provided, single submitter. Criteria: Invitae Variant Classification Sherloc (09022015). Collection method: clinical testing. Allele origin: germline.

GeneDx
Classification: Likely benign. Last evaluated: 2018-04-10. Review status: criteria provided, single submitter. Criteria: GeneDx Variant Classification (06012015). Collection method: clinical testing. Allele origin: germline. Affected: yes.
Comment: This variant is considered likely benign or benign based on one or more of the following criteria: it is a conservative change, it occurs at a poorly conserved position in the protein, it is predicted to be benign by multiple in silico algorithms, and/or has population frequency not consistent with disease.